The following is an entry in ClinVar:

NM_012203.2(GRHPR):c.493+2T>A

Gene: GRHPR (glyoxylate and hydroxypyruvate reductase; plus strand). Cytogenetic location: 9p13.2.
Variant type: single nucleotide variant.
Coding change: c.493+2T>A on transcript NM_012203.2 (MANE Select); the canonical splice donor site of the intron after coding-DNA position 493, T replaced by A.
Molecular consequence: splice donor variant.
Genome position (GRCh38, 1-based): chr9:37,428,574, T>A. VCF-style: chr9-37428574-T-A. GRCh37 (hg19) VCF-style: chr9-37428571-T-A.
Identifiers: ClinVar variation 204243 (VCV000204243.16), dbSNP rs180177313, ClinGen allele CA275905.

ClinVar aggregate classification (germline): Pathogenic/Likely pathogenic. Review status: criteria provided, multiple submitters, no conflicts (2 of 4 stars). 5 submissions from 5 submitters: Pathogenic (2); Likely pathogenic (1). 2 of the submissions do not count toward it. Last evaluated 2025-07-29.

Conditions:
Primary hyperoxaluria, type II (HP2). Also called: D-GLYCERATE DEHYDROGENASE DEFICIENCY; GLYCERIC ACIDURIA; GLYOXYLATE REDUCTASE/HYDROXYPYRUVATE REDUCTASE DEFICIENCY; OXALOSIS II; Primary hyperoxaluria type 2. Identifiers: Orphanet 416, Orphanet 93599, MedGen C0268165, MONDO:0009824, OMIM 260000. Disease mechanism: loss of function.

Allele frequency attached by ClinVar (database versions not stated): gnomAD exomes below 0.00001; TOPMed below 0.00001.
gnomAD v4.1: 5 of 1,596,240 alleles (0.00031%); highest among the groups gnomAD compares: Non-Finnish European, 0.00043%; no homozygotes.

Submissions (5):

Natera, Inc.
Classification: Pathogenic for Primary hyperoxaluria type II. Last evaluated: 2025-07-29. Review status: criteria provided, single submitter. Criteria: Natera Variant Classification Schema (03/2026). Collection method: clinical testing. Allele origin: germline.
Comment: The c.493+2T>A variant in GRHPR is a canonical splice donor site variant predicted to affect pre-mRNA splicing, which may result in an abnormal transcript and altered protein product. This variant is expected to result in nonsense mediated decay, truncation, or a dysfunctional protein product. This variant is rare in the general population with a frequency below the threshold expected for the associated phenotype(s). This variant has been observed in one or more individuals affected with the associated recessive disease, as either homozygous or compound heterozygous with a second variant (PMID: 25629080). Given the available evidence, this variant is classified as Pathogenic.

Labcorp Genetics (formerly Invitae), Labcorp
Classification: Likely pathogenic. Last evaluated: 2022-03-13. Review status: criteria provided, single submitter. Criteria: Invitae Variant Classification Sherloc (09022015). Collection method: clinical testing. Allele origin: germline.
Comment: This sequence change affects a donor splice site in intron 5 of the GRHPR gene. It is expected to disrupt RNA splicing. Variants that disrupt the donor or acceptor splice site typically lead to a loss of protein function (PMID: 16199547), and loss-of-function variants in GRHPR are known to be pathogenic (PMID: 25644115). This variant is not present in population databases (gnomAD no frequency). In summary, the currently available evidence indicates that the variant is pathogenic, but additional data are needed to prove that conclusively. Therefore, this variant has been classified as Likely Pathogenic. Algorithms developed to predict the effect of sequence changes on RNA splicing suggest that this variant may disrupt the consensus splice site. ClinVar contains an entry for this variant (Variation ID: 204243). Disruption of this splice site has been observed in individual(s) with clinical features of primary hyperoxaluria (PMID: 25629080).

Baylor Genetics
Classification: Pathogenic for Primary hyperoxaluria, type II. Last evaluated: 2022-02-02. Review status: criteria provided, single submitter. Criteria: ACMG Guidelines, 2015. Collection method: clinical testing. Allele origin: unknown.

Counsyl
Classification: Likely pathogenic for Primary hyperoxaluria, type II. Last evaluated: 2016-11-14. Review status: no assertion criteria provided. Collection method: clinical testing. Allele origin: unknown. Not counted in ClinVar's aggregate classification.

Clinical Biochemistry Laboratory, Health Services Laboratory
Classification: Pathogenic for Primary hyperoxaluria, type II. Last evaluated: 2014-11-27. Review status: no assertion criteria provided. Collection method: research. Allele origin: germline. Affected: yes. Not counted in ClinVar's aggregate classification.

Literature cited by the submitters: PubMed 25629080 (cited by 3 submitters); PubMed 16199547 (cited by Labcorp Genetics (formerly Invitae), Labcorp); PubMed 25644115 (cited by Labcorp Genetics (formerly Invitae), Labcorp).